The following is an entry in ClinVar:

ClinVar aggregate classification (germline): Pathogenic (1 of 4 stars; one submission).

Conditions:
Cranioectodermal dysplasia 1 (CED1). Also called: LEVIN SYNDROME I. Identifiers: Orphanet 1515, MedGen C0432235, MONDO:0021093, OMIM 218330.

Submission:

Labcorp Genetics (formerly Invitae), Labcorp
Classification: Pathogenic for Cranioectodermal dysplasia 1. Last evaluated: 2024-01-18. Review status: criteria provided, single submitter. Criteria: Invitae Variant Classification Sherloc (09022015). Collection method: clinical testing. Allele origin: germline.
Comment: This sequence change creates a premature translational stop signal (p.Met202Alafs*52) in the IFT122 gene. It is expected to result in an absent or disrupted protein product. Loss-of-function variants in IFT122 are known to be pathogenic (PMID: 20493458, 23826986, 26792575). This variant is not present in population databases (gnomAD no frequency). This variant has not been reported in the literature in individuals affected with IFT122-related conditions. For these reasons, this variant has been classified as Pathogenic.

Literature cited by the submitters: PubMed 20493458; PubMed 23826986; PubMed 26792575.

NM_052989.3(IFT122):c.443_449dup (p.Met151fs)

Gene: IFT122 (intraflagellar transport 122; plus strand). Cytogenetic location: 3q21.3.
Variant type: Duplication.
Coding change: c.443_449dup on transcript NM_052989.3 (MANE Select); coding-DNA positions 443 to 449, 7 bases duplicated (CGCTGGG; older notation c.443_449dupCGCTGGG).
Protein change: p.Met151fs; shifts the reading frame from methionine 151.
Molecular consequence: frameshift variant. On other transcripts: 5 prime UTR variant (2).
Genome position (GRCh38, 1-based): chr3:129,464,661-129,464,667, CGCTGGG duplicated; duplicating any 7 consecutive bases within chr3:129,464,659-129,464,667 gives the same sequence; the c. name uses the placement nearest the transcript's 3' end. VCF-style (leftmost placement, unchanged base first): chr3-129464658-T-TGGCGCTG. GRCh37 (hg19) VCF-style: chr3-129183501-T-TGGCGCTG.
Other names: c.287_293dup, p.Met99fs (NM_001410815.1, NM_001410817.1, NM_052990.3); c.443_449dup, p.Met151fs (NM_018262.4, NM_001410811.1, NM_001410813.1 and 3 more transcripts); c.596_602dup, p.Met202fs (NM_052985.4, NM_001280541.2); c.-8_-2dup (NM_001280545.2, NM_001280546.2); short protein forms M151fs, M202fs, M99fs.
Identifiers: ClinVar variation 2770134 (VCV002770134.3), dbSNP rs2531458645, ClinGen allele CA2697556821.